The following is an entry in ClinVar:

NM_002397.5(MEF2C):c.168G>C (p.Gln56His)

Gene: MEF2C (myocyte enhancer factor 2C; minus strand). Cytogenetic location: 5q14.3.
Variant type: single nucleotide variant.
Coding change: c.168G>C on transcript NM_002397.5 (MANE Select); coding-DNA position 168, G replaced by C.
Protein change: p.Gln56His; replaces glutamine 56 with histidine.
Molecular consequence: missense variant.
Genome position (GRCh38, 1-based): chr5:88,804,688, C>G on the plus strand (G>C on the coding strand, the complement: MEF2C is on the minus strand). VCF-style: chr5-88804688-C-G. GRCh37 (hg19) VCF-style: chr5-88100505-C-G.
Other names: c.168G>C, p.Gln56His (NM_001131005.2, NM_001193347.1, NM_001193348.1 and 29 more transcripts); short protein forms Q56H.
Identifiers: ClinVar variation 1310215 (VCV001310215.2), dbSNP rs2153074335, ClinGen allele CA360424968.
Genomic context (GRCh38, chr5:88,804,688, plus strand): 5'-ATGCGGCTCGTTGTACTCCGTGTACTTGAGAAGCACTTTGTCCATGTCGGTGCTGGCATA[C>G]TGGAACAGCTTGTTGGTGCTGTTGAAGATGATCAGCGCAATCTCACAGTCACACAGCACG-3'
Protein context (NP_002388.2, residues 46-66): IIFNSTNKLF[Gln56His]YASTDMDKVL

ClinVar aggregate classification (germline): Uncertain significance (1 of 4 stars; one submission).

Submission:

GeneDx
Classification: Uncertain significance. Last evaluated: 2021-01-14. Review status: criteria provided, single submitter. Criteria: GeneDx Variant Classification Process June 2021. Collection method: clinical testing. Allele origin: germline. Affected: yes.
Comment: Not observed in large population cohorts (Lek et al., 2016); In silico analysis, which includes protein predictors and evolutionary conservation, supports a deleterious effect; Has not been previously published as pathogenic or benign to our knowledge